The following is an entry in ClinVar:

NM_001009944.3(PKD1):c.6065C>T (p.Ser2022Leu)

Gene: PKD1 (polycystin 1, transient receptor potential channel interacting; minus strand). Cytogenetic location: 16p13.3.
Variant type: single nucleotide variant.
Coding change: c.6065C>T on transcript NM_001009944.3 (MANE Select); coding-DNA position 6065, C replaced by T.
Protein change: p.Ser2022Leu; replaces serine 2022 with leucine.
Molecular consequence: missense variant.
Genome position (GRCh38, 1-based): chr16:2,109,102, G>A on the plus strand (C>T on the coding strand, the complement: PKD1 is on the minus strand). VCF-style: chr16-2109102-G-A. GRCh37 (hg19) VCF-style: chr16-2159103-G-A.
Other names: c.6065C>T (NM_001009944.2); c.6065C>T, p.Ser2022Leu (NM_000296.4); short protein forms S2022L.
Identifiers: ClinVar variation 447991 (VCV000447991.7), dbSNP rs781681199, ClinGen allele CA7831742.

ClinVar aggregate classification (germline): Uncertain significance. Review status: criteria provided, multiple submitters, no conflicts (2 of 4 stars). 5 submissions from 5 submitters: Uncertain significance (5). Last evaluated 2025-06-17.

Conditions:
PKD1-related disorder. Also called: PKD1-related condition.
Inborn genetic diseases. Identifiers: MedGen C0950123, MeSH D030342.
Polycystic kidney disease, adult type (PKD1). Also called: POLYCYSTIC KIDNEY DISEASE 1 WITH OR WITHOUT POLYCYSTIC LIVER DISEASE; Polycystic Kidney, Autosomal Dominant; POLYCYSTIC KIDNEY DISEASE, ADULT, TYPE I; Polycystic Kidney Disease 1, Autosomal Dominant; Polycystic kidney disease 1; Polycystic kidney disease 1, severe. Identifiers: MedGen C3149841, MONDO:0008263, OMIM 173900.

Allele frequency attached by ClinVar (database versions not stated): ExAC 0.00001; gnomAD exomes 0.00001; gnomAD 0.00002; TOPMed 0.00002.
gnomAD v4.1: 25 of 1,603,064 alleles (0.0016%); highest among the groups gnomAD compares: Middle Eastern, 0.018%; no homozygotes.

Submissions (5):

Ambry Genetics
Classification: Uncertain significance for Inborn genetic diseases. Last evaluated: 2025-06-17. Review status: criteria provided, single submitter. Criteria: Ambry Variant Classification Scheme 2023. Collection method: clinical testing. Allele origin: germline.

Fulgent Genetics
Classification: Uncertain significance for Polycystic kidney disease, adult type. Last evaluated: 2024-06-23. Review status: criteria provided, single submitter. Criteria: ACMG Guidelines, 2015. Collection method: clinical testing. Allele origin: germline.

GeneDx
Classification: Uncertain significance. Last evaluated: 2023-12-12. Review status: criteria provided, single submitter. Criteria: GeneDx Variant Classification Process June 2021. Collection method: clinical testing. Allele origin: germline. Affected: yes.
Comment: Not observed at significant frequency in large population cohorts (gnomAD); In silico analysis supports that this missense variant does not alter protein structure/function; Has not been previously published as pathogenic or benign to our knowledge

PreventionGenetics, part of Exact Sciences
Classification: Uncertain significance for PKD1-related condition. Last evaluated: 2023-07-24. Review status: criteria provided, single submitter. Criteria: ACMG Guidelines, 2015. Collection method: clinical testing. Allele origin: germline.
Comment: The PKD1 c.6065C>T variant is predicted to result in the amino acid substitution p.Ser2022Leu. To our knowledge, this variant has not been reported in the literature. This variant is reported in 0.0033% of alleles in individuals of South Asian descent in gnomAD. At PreventionGenetics, this variant segregated with a kidney abnormality in a single family. However in a different family, it was inherited from an unaffected parent. At this time, the clinical significance of this variant is uncertain due to the absence of conclusive functional and genetic evidence.

Athena Diagnostics
Classification: Uncertain significance. Last evaluated: 2016-12-31. Review status: criteria provided, single submitter. Criteria: Athena Diagnostics Criteria. Collection method: clinical testing. Allele origin: germline.